The following is an entry in ClinVar:

NM_000548.5(TSC2):c.3745C>A (p.Leu1249Met)

Gene: TSC2 (TSC complex subunit 2; plus strand). Cytogenetic location: 16p13.3.
Variant type: single nucleotide variant.
Coding change: c.3745C>A on transcript NM_000548.5 (MANE Select); coding-DNA position 3745, C replaced by A.
Protein change: p.Leu1249Met; replaces leucine 1249 with methionine.
Molecular consequence: missense variant.
Genome position (GRCh38, 1-based): chr16:2,081,729, C>A. VCF-style: chr16-2081729-C-A. GRCh37 (hg19) VCF-style: chr16-2131730-C-A.
Other names: c.3613C>A, p.Leu1205Met (NM_001077183.3, NM_001370404.1); c.3745C>A, p.Leu1249Met (NM_001114382.3); c.3505C>A, p.Leu1169Met (NM_001318827.2); c.3469C>A, p.Leu1157Met (NM_001318829.2); c.3013C>A, p.Leu1005Met (NM_001318831.2); c.3646C>A, p.Leu1216Met (NM_001318832.2); c.3616C>A, p.Leu1206Met (NM_001363528.2, NM_001370405.1, NM_021055.3); short protein forms L1005M, L1157M, L1206M, L1205M, L1169M, L1216M, L1249M.
Identifiers: ClinVar variation 863642 (VCV000863642.9), dbSNP rs1596400436, ClinGen allele CA394293047.
Genomic context (GRCh38, chr16:2,081,729, plus strand): 5'-CAGGAGCTGTCTAACGCCCTCATGGCGGCTGAGCGCTTCAAGGAGCACCGGGACACAGCC[C>A]TGTACAAGTCACTGTCGGTGCCGGCAGCCAGCACGGCCAAACCCCCTCCTCTGCCTCGCT-3'
Protein context (NP_000539.2, residues 1239-1259): ERFKEHRDTA[Leu1249Met]YKSLSVPAAS

ClinVar aggregate classification (germline): Uncertain significance. Review status: criteria provided, multiple submitters, no conflicts (2 of 4 stars). 2 submissions from 2 submitters: Uncertain significance (2). Last evaluated 2025-05-02.

Conditions:
Tuberous sclerosis 2 (TSC2). Identifiers: Orphanet 805, MedGen C1860707, MONDO:0013199, OMIM 613254.
Hereditary cancer-predisposing syndrome. Also called: Tumor predisposition; Hereditary Cancer Syndrome; Neoplastic Syndromes, Hereditary; Hereditary neoplastic syndrome. Identifiers: Orphanet 140162, MedGen C0027672, MeSH D009386, MONDO:0015356.

Submissions (2):

Labcorp Genetics (formerly Invitae), Labcorp
Classification: Uncertain significance for Tuberous sclerosis 2. Last evaluated: 2025-05-02. Review status: criteria provided, single submitter. Criteria: Invitae Variant Classification Sherloc (09022015). Collection method: clinical testing. Allele origin: germline.
Comment: This sequence change replaces leucine, which is neutral and non-polar, with methionine, which is neutral and non-polar, at codon 1249 of the TSC2 protein (p.Leu1249Met). This variant is not present in population databases (gnomAD no frequency). This variant has not been reported in the literature in individuals affected with TSC2-related conditions. ClinVar contains an entry for this variant (Variation ID: 863642). Invitae Evidence Modeling of protein sequence and biophysical properties (such as structural, functional, and spatial information, amino acid conservation, physicochemical variation, residue mobility, and thermodynamic stability) indicates that this missense variant is not expected to disrupt TSC2 protein function with a negative predictive value of 95%. In summary, the available evidence is currently insufficient to determine the role of this variant in disease. Therefore, it has been classified as a Variant of Uncertain Significance.

Ambry Genetics
Classification: Uncertain significance for Hereditary cancer-predisposing syndrome. Last evaluated: 2025-02-13. Review status: criteria provided, single submitter. Criteria: Ambry Variant Classification Scheme 2023. Collection method: clinical testing. Allele origin: germline.
Comment: The p.L1249M variant (also known as c.3745C>A), located in coding exon 30 of the TSC2 gene, results from a C to A substitution at nucleotide position 3745. The leucine at codon 1249 is replaced by methionine, an amino acid with highly similar properties. This amino acid position is conserved. In addition, the in silico prediction for this alteration is inconclusive. Based on the available evidence, the clinical significance of this variant remains unclear.